The following is an entry in ClinVar:

NM_001384732.1(CPLANE1):c.9730T>G (p.Ser3244Ala)

Gene: CPLANE1 (ciliogenesis and planar polarity effector complex subunit 1; minus strand). Cytogenetic location: 5p13.2.
Variant type: single nucleotide variant.
Coding change: c.9730T>G on transcript NM_001384732.1 (MANE Select); coding-DNA position 9730, T replaced by G.
Protein change: p.Ser3244Ala; replaces serine 3244 with alanine.
Molecular consequence: missense variant.
Genome position (GRCh38, 1-based): chr5:37,107,628, A>C on the plus strand (T>G on the coding strand, the complement: CPLANE1 is on the minus strand). VCF-style: chr5-37107628-A-C. GRCh37 (hg19) VCF-style: chr5-37107730-A-C.
Other names: c.9568T>G, p.Ser3190Ala (NM_023073.4); c.9568T>G (NM_023073.3); short protein forms S3244A, S3190A.
Identifiers: ClinVar variation 1438936 (VCV001438936.4), dbSNP rs368852403, ClinGen allele CA3237389.
Genomic context (GRCh38, chr5:37,107,628, plus strand): 5'-GGCCTGTGCATGGAAACCCAATGATATCCAGGTCTTACAGGTCCAGGGCCCAGTGGACAG[A>C]CAGGCCCTGGTCCTCCACGCTGGCCACCATGTCTTCGATGGCATTCCAGTCCAGCTTGCT-3'
Protein context (NP_001371661.1, residues 3234-3251): MVASVEDQGL[Ser3244Ala]VHWALDL

ClinVar aggregate classification (germline): Uncertain significance. Review status: criteria provided, multiple submitters, no conflicts (2 of 4 stars). 2 submissions from 2 submitters: Uncertain significance (2). Last evaluated 2023-06-01.

gnomAD v4.1: 20 of 1,610,966 alleles (0.0012%); highest among the groups gnomAD compares: African/African-American, 0.004%; no homozygotes.

Submissions (2):

GeneDx
Classification: Uncertain significance. Last evaluated: 2023-06-01. Review status: criteria provided, single submitter. Criteria: GeneDx Variant Classification Process June 2021. Collection method: clinical testing. Allele origin: germline. Affected: yes.
Comment: Not observed at significant frequency in large population cohorts (gnomAD); In silico analysis supports that this missense variant does not alter protein structure/function; Has not been previously published as pathogenic or benign to our knowledge

Labcorp Genetics (formerly Invitae), Labcorp
Classification: Uncertain significance. Last evaluated: 2022-03-19. Review status: criteria provided, single submitter. Criteria: Invitae Variant Classification Sherloc (09022015). Collection method: clinical testing. Allele origin: germline.
Comment: This sequence change replaces serine, which is neutral and polar, with alanine, which is neutral and non-polar, at codon 3190 of the CPLANE1 protein (p.Ser3190Ala). This variant is present in population databases (rs368852403, gnomAD 0.008%). This variant has not been reported in the literature in individuals affected with CPLANE1-related conditions. Advanced modeling of protein sequence and biophysical properties (such as structural, functional, and spatial information, amino acid conservation, physicochemical variation, residue mobility, and thermodynamic stability) performed at Invitae indicates that this missense variant is not expected to disrupt CPLANE1 protein function. In summary, the available evidence is currently insufficient to determine the role of this variant in disease. Therefore, it has been classified as a Variant of Uncertain Significance.